The following is an entry in ClinVar:

ClinVar aggregate classification (germline): Uncertain significance. Review status: criteria provided, multiple submitters, no conflicts (2 of 4 stars). 2 submissions from 2 submitters: Uncertain significance (2). Last evaluated 2024-07-08.

Conditions:
Huntington disease-like 1 (HDL1). Also called: HUNTINGTON-LIKE NEURODEGENERATIVE DISORDER 1; HUNTINGTON-LIKE NEURODEGENERATIVE DISORDER, AUTOSOMAL DOMINANT; PRION DISEASE, EARLY-ONSET, WITH PROMINENT PSYCHIATRIC FEATURES. Identifiers: Orphanet 157941, MedGen C1864112, MONDO:0011299, OMIM 603218.

Submissions (2):

Labcorp Genetics (formerly Invitae), Labcorp
Classification: Uncertain significance for Huntington disease-like 1. Last evaluated: 2024-07-08. Review status: criteria provided, single submitter. Criteria: Invitae Variant Classification Sherloc (09022015). Collection method: clinical testing. Allele origin: germline.
Comment: This sequence change replaces methionine, which is neutral and non-polar, with leucine, which is neutral and non-polar, at codon 109 of the PRNP protein (p.Met109Leu). This variant is not present in population databases (gnomAD no frequency). This variant has not been reported in the literature in individuals affected with PRNP-related conditions. Advanced modeling of protein sequence and biophysical properties (such as structural, functional, and spatial information, amino acid conservation, physicochemical variation, residue mobility, and thermodynamic stability) performed at Invitae indicates that this missense variant is not expected to disrupt PRNP protein function with a negative predictive value of 80%. In summary, the available evidence is currently insufficient to determine the role of this variant in disease. Therefore, it has been classified as a Variant of Uncertain Significance.

GeneDx
Classification: Uncertain significance. Last evaluated: 2024-06-05. Review status: criteria provided, single submitter. Criteria: GeneDx Variant Classification Process June 2021. Collection method: clinical testing. Allele origin: germline. Affected: yes.
Comment: Not observed at significant frequency in large population cohorts (gnomAD); In silico analysis indicates that this missense variant does not alter protein structure/function; Has not been previously published as pathogenic or benign to our knowledge

NM_000311.5(PRNP):c.325A>T (p.Met109Leu)

Gene: PRNP (prion protein (Kanno blood group); plus strand). Cytogenetic location: 20p13.
Variant type: single nucleotide variant.
Coding change: c.325A>T on transcript NM_000311.5 (MANE Select); coding-DNA position 325, A replaced by T.
Protein change: p.Met109Leu; replaces methionine 109 with leucine.
Molecular consequence: missense variant. On other transcripts: 3 prime UTR variant (1).
Genome position (GRCh38, 1-based): chr20:4,699,545, A>T. VCF-style: chr20-4699545-A-T. GRCh37 (hg19) VCF-style: chr20-4680191-A-T.
Other names: c.325A>T, p.Met109Leu (NM_001080121.3, NM_001080122.3, NM_001080123.3 and 1 more transcripts); c.*14A>T (NM_001271561.3); short protein forms M109L.
Identifiers: ClinVar variation 3384285 (VCV003384285.3).